The following is an entry in ClinVar:

ClinVar aggregate classification (germline): Uncertain significance (1 of 4 stars; one submission).

Conditions:
Inborn genetic diseases. Identifiers: MedGen C0950123, MeSH D030342.

Submission:

Ambry Genetics
Classification: Uncertain significance for Inborn genetic diseases. Last evaluated: 2024-12-21. Review status: criteria provided, single submitter. Criteria: Ambry Variant Classification Scheme 2023. Collection method: clinical testing. Allele origin: germline.
Comment: The p.D839Y variant (also known as c.2515G>T), located in coding exon 13 of the ASXL1 gene, results from a G to T substitution at nucleotide position 2515. The aspartic acid at codon 839 is replaced by tyrosine, an amino acid with highly dissimilar properties. This amino acid position is conserved. In addition, this alteration is predicted to be tolerated by in silico analysis. Based on the available evidence, the clinical significance of this variant remains unclear.

NM_015338.6(ASXL1):c.2515G>T (p.Asp839Tyr)

Gene: ASXL1 (ASXL transcriptional regulator 1; plus strand). Cytogenetic location: 20q11.21.
Variant type: single nucleotide variant.
Coding change: c.2515G>T on transcript NM_015338.6 (MANE Select); coding-DNA position 2515, G replaced by T.
Protein change: p.Asp839Tyr; replaces aspartic acid 839 with tyrosine.
Molecular consequence: missense variant.
Genome position (GRCh38, 1-based): chr20:32,435,227, G>T. VCF-style: chr20-32435227-G-T. GRCh37 (hg19) VCF-style: chr20-31023030-G-T.
Other names: c.2332G>T, p.Asp778Tyr (NM_001363734.1); short protein forms D778Y, D839Y.
Identifiers: ClinVar variation 3791585 (VCV003791585.1).